The following is an entry in ClinVar:

ClinVar aggregate classification (germline): Uncertain significance. Review status: criteria provided, multiple submitters, no conflicts (2 of 4 stars). 3 submissions from 3 submitters: Uncertain significance (3). Last evaluated 2026-07-01.

Conditions:
Glycogen storage disease, type II (IOPD). Also called: CARDIOMEGALIA GLYCOGENICA DIFFUSA; GLYCOGENOSIS, GENERALIZED, CARDIAC FORM; GSD II; POMPE DISEASE, INFANTILE-ONSET; GLYCOGEN STORAGE DISEASE II, INFANTILE-ONSET; ACID ALPHA-GLUCOSIDASE DEFICIENCY, INFANTILE-ONSET. Identifiers: Orphanet 365, MedGen C0017921, MONDO:0009290, OMIM 232300.

Allele frequency attached by ClinVar (database versions not stated): gnomAD 0.00001.

Submissions (3):

Genomenon, Inc
Classification: Uncertain significance for Glycogen storage disease, type II. Last evaluated: 2026-07-01. Review status: criteria provided, single submitter. Criteria: Genomenon Sequence Variant Interpretation Standards - Updated. Collection method: curation. Allele origin: germline. Affected: yes.
Comment: GAA p.Arg168Leu (c.503G>T) is a missense variant that changes the amino acid at codon 168 from Arginine to Leucine. This variant has been observed in at least one proband with a GAA-related disorder (PMID:33977031). It is absent or not present at a significant frequency in gnomAD. In silico models predict that this variant is not damaging. In conclusion, we classify GAA p.Arg168Leu (c.503G>T) as a variant of uncertain significance.

Labcorp Genetics (formerly Invitae), Labcorp
Classification: Uncertain significance for Glycogen storage disease, type II. Last evaluated: 2021-12-24. Review status: criteria provided, single submitter. Criteria: Invitae Variant Classification Sherloc (09022015). Collection method: clinical testing. Allele origin: germline.
Comment: This sequence change replaces arginine, which is basic and polar, with leucine, which is neutral and non-polar, at codon 168 of the GAA protein (p.Arg168Leu). This variant is present in population databases (rs376685205, gnomAD 0.01%). This variant has not been reported in the literature in individuals affected with GAA-related conditions. ClinVar contains an entry for this variant (Variation ID: 1310553). Advanced modeling of protein sequence and biophysical properties (such as structural, functional, and spatial information, amino acid conservation, physicochemical variation, residue mobility, and thermodynamic stability) performed at Invitae indicates that this missense variant is not expected to disrupt GAA protein function. This variant disrupts the p.Arg168 amino acid residue in GAA. Other variant(s) that disrupt this residue have been determined to be pathogenic (PMID: 21488292, 24169249, 25526786, 31076647, 31301153; Invitae). This suggests that this residue is clinically significant, and that variants that disrupt this residue are likely to be disease-causing. In summary, the available evidence is currently insufficient to determine the role of this variant in disease. Therefore, it has been classified as a Variant of Uncertain Significance.

GeneDx
Classification: Uncertain significance. Last evaluated: 2019-11-27. Review status: criteria provided, single submitter. Criteria: GeneDx Variant Classification Process June 2021. Collection method: clinical testing. Allele origin: germline. Affected: yes.
Comment: Has not been previously published as pathogenic or benign to our knowledge; In silico analysis, which includes protein predictors and evolutionary conservation, supports a deleterious effect

Literature cited by the submitters: PubMed 33977031 (cited by Genomenon, Inc); PubMed 21488292 (cited by Labcorp Genetics (formerly Invitae), Labcorp); PubMed 24169249 (cited by Labcorp Genetics (formerly Invitae), Labcorp); PubMed 25526786 (cited by Labcorp Genetics (formerly Invitae), Labcorp); PubMed 31076647 (cited by Labcorp Genetics (formerly Invitae), Labcorp); PubMed 31301153 (cited by Labcorp Genetics (formerly Invitae), Labcorp).

NM_000152.5(GAA):c.503G>T (p.Arg168Leu)

Gene: GAA (alpha glucosidase; plus strand). Cytogenetic location: 17q25.3.
Variant type: single nucleotide variant.
Coding change: c.503G>T on transcript NM_000152.5 (MANE Select); coding-DNA position 503, G replaced by T.
Protein change: p.Arg168Leu; replaces arginine 168 with leucine.
Molecular consequence: missense variant.
Genome position (GRCh38, 1-based): chr17:80,105,089, G>T. VCF-style: chr17-80105089-G-T. GRCh37 (hg19) VCF-style: chr17-78078888-G-T.
Other names: c.503G>T, p.Arg168Leu (NM_001079803.3, NM_001079804.3); short protein forms R168L.
Identifiers: ClinVar variation 1310553 (VCV001310553.7), dbSNP rs376685205, ClinGen allele CA8814883.